The following is an entry in ClinVar:

ClinVar aggregate classification (germline): Likely benign (1 of 4 stars; one submission).

Conditions:
CCNP-related disorder. Also called: CCNP-related condition.

Submission:

PreventionGenetics, part of Exact Sciences
Classification: Likely benign for CCNP-related condition. Last evaluated: 2025-09-17. Review status: criteria provided, single submitter. Criteria: ACMG Guidelines, 2015. Collection method: clinical testing. Allele origin: germline.
Comment: This variant is classified as likely benign based on ACMG/AMP sequence variant interpretation guidelines (Richards et al. 2015 PMID: 25741868, with internal and published modifications).

NM_024877.4(CCNP):c.197_217dup (p.Leu72_Gly73insGluGluAlaLeuSerAlaLeu)

Genes: CCNP (cyclin P; minus strand), LOC130064442 (ATAC-STARR-seq lymphoblastoid silent region 10618; plus strand). Cytogenetic location: 19q13.2.
Variant type: Duplication.
Coding change: c.197_217dup on transcript NM_024877.4 (MANE Select); coding-DNA positions 197 to 217, 21 bases duplicated (AGGAGGCGCTGAGCGCGCTGG).
Protein change: p.Leu72_Gly73insGluGluAlaLeuSerAlaLeu.
Molecular consequence: inframe insertion.
Genome position (GRCh38, 1-based): chr19:40,226,425-40,226,445, CCAGCGCGCTCAGCGCCTCCT duplicated on the plus strand (AGGAGGCGCTGAGCGCGCTGG on the coding strand, the reverse complement: CCNP is on the minus strand); duplicating any 21 consecutive bases within chr19:40,226,425-40,226,450 gives the same sequence; the c. name uses the placement nearest the transcript's 3' end. VCF-style (leftmost placement, unchanged base first): chr19-40226424-C-CCCAGCGCGCTCAGCGCCTCCT. GRCh37 (hg19) VCF-style: chr19-40732331-C-CCCAGCGCGCTCAGCGCCTCCT.
Other names: c.197_217dup, p.Leu72_Gly73insGluGluAlaLeuSerAlaLeu (NM_001411133.1).
Identifiers: ClinVar variation 4979412 (VCV004979412.1).